The following is an entry in ClinVar:

ClinVar aggregate classification (germline): Uncertain significance (1 of 4 stars; one submission).

Submission:

GeneDx
Classification: Uncertain significance. Last evaluated: 2026-03-01. Review status: criteria provided, single submitter. Criteria: GeneDx Variant Classification Process June 2021. Collection method: clinical testing. Allele origin: germline.
Comment: Not observed at significant frequency in large population cohorts (gnomAD); In silico analysis supports that this missense variant has a deleterious effect on protein structure/function; Has not been previously published as pathogenic or benign to our knowledge

NM_001303052.2(MYT1L):c.112G>C (p.Gly38Arg)

Gene: MYT1L (myelin transcription factor 1 like; minus strand). Cytogenetic location: 2p25.3.
Variant type: single nucleotide variant.
Coding change: c.112G>C on transcript NM_001303052.2 (MANE Select); coding-DNA position 112, G replaced by C.
Protein change: p.Gly38Arg; replaces glycine 38 with arginine.
Molecular consequence: missense variant.
Genome position (GRCh38, 1-based): chr2:1,979,205, C>G on the plus strand (G>C on the coding strand, the complement: MYT1L is on the minus strand). VCF-style: chr2-1979205-C-G. GRCh37 (hg19) VCF-style: chr2-1982977-C-G.
Other names: c.112G>C, p.Gly38Arg (NM_001329844.2, NM_001329845.1, NM_001329846.3 and 6 more transcripts); short protein forms G38R.
Identifiers: ClinVar variation 5008120 (VCV005008120.1).